The following is an entry in ClinVar:

ClinVar aggregate classification (germline): Uncertain significance. Review status: criteria provided, multiple submitters, no conflicts (2 of 4 stars). 2 submissions from 2 submitters: Uncertain significance (2). Last evaluated 2025-06-02.

gnomAD v4.1: 1 of 1,040,588 alleles (0.000096%); highest among the groups gnomAD compares: East Asian, 0.0077%; no homozygotes.

Submissions (2):

Ambry Genetics
Classification: Uncertain significance. Last evaluated: 2025-06-02. Review status: criteria provided, single submitter. Criteria: Ambry Variant Classification Scheme 2023. Collection method: clinical testing. Allele origin: germline.
Comment: The p.R60W variant (also known as c.178C>T), located in coding exon 1 of the GALNT12 gene, results from a C to T substitution at nucleotide position 178. The arginine at codon 60 is replaced by tryptophan, an amino acid with dissimilar properties. This amino acid position is conserved. In addition, this alteration is predicted to be tolerated by in silico analysis. Based on the available evidence, the clinical significance of this variant remains unclear.

Labcorp Genetics (formerly Invitae), Labcorp
Classification: Uncertain significance. Last evaluated: 2020-07-27. Review status: criteria provided, single submitter. Criteria: Invitae Variant Classification Sherloc (09022015). Collection method: clinical testing. Allele origin: germline.
Comment: Algorithms developed to predict the effect of missense changes on protein structure and function are either unavailable or do not agree on the potential impact of this missense change (SIFT: "Deleterious"; PolyPhen-2: "Not Available"; Align-GVGD: "Class C0"). This variant has not been reported in the literature in individuals with GALNT12-related conditions. The frequency data for this variant in the population databases is considered unreliable, as metrics indicate insufficient coverage at this position in the ExAC database. This sequence change replaces arginine with tryptophan at codon 60 of the GALNT12 protein (p.Arg60Trp). The arginine residue is weakly conserved and there is a moderate physicochemical difference between arginine and tryptophan. In summary, the available evidence is currently insufficient to determine the role of this variant in disease. Therefore, it has been classified as a Variant of Uncertain Significance.

NM_024642.5(GALNT12):c.178C>T (p.Arg60Trp)

Gene: GALNT12 (polypeptide N-acetylgalactosaminyltransferase 12; plus strand). Cytogenetic location: 9q22.33.
Variant type: single nucleotide variant.
Coding change: c.178C>T on transcript NM_024642.5 (MANE Select); coding-DNA position 178, C replaced by T.
Protein change: p.Arg60Trp; replaces arginine 60 with tryptophan.
Molecular consequence: missense variant.
Genome position (GRCh38, 1-based): chr9:98,807,876, C>T. VCF-style: chr9-98807876-C-T. GRCh37 (hg19) VCF-style: chr9-101570158-C-T.
Other names: c.178C>T (NM_024642.4); short protein forms R60W.
Identifiers: ClinVar variation 1057174 (VCV001057174.10), dbSNP rs992673909, ClinGen allele CA374222463.
Genomic context (GRCh38, chr9:98,807,876, plus strand): 5'-CAGCGTGGGGCCGGGGCCGGGGCTGCCGAGCCGGGACCCCCGCGCACCCCGCGCCCCGGG[C>T]GGCGCGAGCCGGTCATGCCGCGGCCGCCGGTGCCGGCGAACGCGCTGGGCGCGCGGGGCG-3'
Protein context (NP_078918.3, residues 50-70): PGPPRTPRPG[Arg60Trp]REPVMPRPPV